The following is an entry in ClinVar:

NM_005515.4(MNX1):c.518C>T (p.Ala173Val)

Genes: MNX1 (motor neuron and pancreas homeobox 1; minus strand), LOC129999735 (ATAC-STARR-seq lymphoblastoid silent region 18857; plus strand). Cytogenetic location: 7q36.3.
Variant type: single nucleotide variant.
Coding change: c.518C>T on transcript NM_005515.4 (MANE Select); coding-DNA position 518, C replaced by T.
Protein change: p.Ala173Val; replaces alanine 173 with valine.
Molecular consequence: missense variant.
Genome position (GRCh38, 1-based): chr7:157,009,833, G>A on the plus strand (C>T on the coding strand, the complement: MNX1 is on the minus strand). VCF-style: chr7-157009833-G-A. GRCh37 (hg19) VCF-style: chr7-156802527-G-A.
Other names: short protein forms A173V.
Identifiers: ClinVar variation 2430524 (VCV002430524.1), dbSNP rs1340278462, ClinGen allele CA370164388.

ClinVar aggregate classification (germline): Uncertain significance (1 of 4 stars; one submission).

gnomAD v4.1: 2 of 1,467,398 alleles (0.00014%); highest among the groups gnomAD compares: Admixed American, 0.0023%; no homozygotes.

Submission:

GeneDx
Classification: Uncertain significance. Last evaluated: 2022-08-14. Review status: criteria provided, single submitter. Criteria: GeneDx Variant Classification Process June 2021. Collection method: clinical testing. Allele origin: germline. Affected: yes.
Comment: Not observed at significant frequency in large population cohorts (gnomAD); In silico analysis supports that this missense variant does not alter protein structure/function; Has not been previously published as pathogenic or benign to our knowledge